The following is an entry in ClinVar:

ClinVar aggregate classification (germline): Uncertain significance (1 of 4 stars; one submission).

Conditions:
Dilated cardiomyopathy 1KK (CMD1KK). Identifiers: Orphanet 154, Orphanet 75249, MedGen C3714995, MONDO:0014100, OMIM 615248.

Allele frequency attached by ClinVar (database versions not stated): gnomAD exomes below 0.00001.
gnomAD v4.1: 1 of 1,614,162 alleles (0.000062%); highest among the groups gnomAD compares: Non-Finnish European, 0.000085%; no homozygotes.

Submission:

Labcorp Genetics (formerly Invitae), Labcorp
Classification: Uncertain significance for Dilated cardiomyopathy 1KK. Last evaluated: 2016-06-18. Review status: criteria provided, single submitter. Criteria: Invitae Variant Classification Sherloc (09022015). Collection method: clinical testing. Allele origin: germline.
Comment: In summary, this variant is a novel missense change with uncertain impact on protein function. It has been classified as a Variant of Uncertain Significance. This variant is not present in population databases (ExAC no frequency) and has not been reported in the literature in individuals with a MYPN-related disease. Algorithms developed to predict the effect of missense changes on protein structure and function do not agree on the potential impact of this missense change (SIFT: "Tolerated"; PolyPhen-2: "Possibly Damaging"; Align-GVGD: "Class C0"). This sequence change replaces asparagine with tyrosine at codon 322 of the MYPN protein (p.Asn322Tyr). The asparagine residue is weakly conserved and there is a large physicochemical difference between asparagine and tyrosine.

NM_032578.4(MYPN):c.964A>T (p.Asn322Tyr)

Gene: MYPN (myopalladin; plus strand). Cytogenetic location: 10q21.3.
Variant type: single nucleotide variant.
Coding change: c.964A>T on transcript NM_032578.4 (MANE Select); coding-DNA position 964, A replaced by T.
Protein change: p.Asn322Tyr; replaces asparagine 322 with tyrosine.
Molecular consequence: missense variant. On other transcripts: non-coding transcript variant (2).
Genome position (GRCh38, 1-based): chr10:68,143,001, A>T. VCF-style: chr10-68143001-A-T. GRCh37 (hg19) VCF-style: chr10-69902758-A-T.
Other names: c.964A>T, p.Asn322Tyr (NM_001256267.2); c.82A>T, p.Asn28Tyr (NM_001256268.2); short protein forms N322Y, N28Y.
Identifiers: ClinVar variation 412011 (VCV000412011.7), dbSNP rs1060503576, ClinGen allele CA16612939.